The following is an entry in ClinVar:

NM_002968.3(SALL1):c.1069del (p.Ala357fs)

Gene: SALL1 (spalt like transcription factor 1; minus strand). Cytogenetic location: 16q12.1.
Variant type: Deletion.
Coding change: c.1069del on transcript NM_002968.3 (MANE Select); coding-DNA position 1069, one base deleted (G; older notation c.1069delG).
Protein change: p.Ala357fs; shifts the reading frame from alanine 357.
Molecular consequence: frameshift variant.
Genome position (GRCh38, 1-based): chr16:51,141,153, C deleted on the plus strand (G on the coding strand, the reverse complement: SALL1 is on the minus strand); the first of 2 consecutive C bases (chr16:51,141,153-51,141,154); deleting either gives the same sequence. VCF-style (leftmost placement, unchanged base first): chr16-51141152-GC-G. GRCh37 (hg19) VCF-style: chr16-51175063-GC-G.
Other names: c.778del, p.Ala260fs (NM_001127892.2); short protein forms A260fs, A357fs.
Identifiers: ClinVar variation 3765522 (VCV003765522.1).

ClinVar aggregate classification (germline): Pathogenic (1 of 4 stars; one submission).

Conditions:
Townes-Brocks syndrome 1 (TBS1). Also called: SALL1-Related Townes-Brocks Syndrome; DEAFNESS, SENSORINEURAL, WITH IMPERFORATE ANUS AND THUMB ANOMALIES; REAR SYNDROME; RENAL-EAR-ANAL-RADIAL SYNDROME. Identifiers: Orphanet 857, MedGen C4551481, MONDO:0054581, OMIM 107480.

Submission:

Centre de Biologie Pathologie Génétique, Centre Hospitalier Universitaire de Lille
Classification: Pathogenic for Townes-Brocks syndrome 1. Last evaluated: 2025-02-27. Review status: criteria provided, single submitter. Criteria: ACMG Guidelines, 2015. Collection method: clinical testing. Allele origin: unknown. Inheritance: Autosomal dominant inheritance. Affected: yes.
Comment: PVS1 + PM2 + PP4